The following is an entry in ClinVar:

NM_170784.3(MKKS):c.251_252del (p.His84fs)

Gene: MKKS (MKKS centrosomal shuttling protein; minus strand). Cytogenetic location: 20p12.2.
Variant type: Deletion.
Coding change: c.251_252del on transcript NM_170784.3 (MANE Select); coding-DNA positions 251 to 252, 2 bases deleted (AT; older notation c.251_252delAT).
Protein change: p.His84fs; shifts the reading frame from histidine 84.
Molecular consequence: frameshift variant.
Genome position (GRCh38, 1-based): chr20:10,413,263-10,413,264, AT deleted on the plus strand (AT on the coding strand, the reverse complement: MKKS is on the minus strand). VCF-style (leftmost placement, unchanged base first): chr20-10413262-CAT-C. GRCh37 (hg19) VCF-style: chr20-10393910-CAT-C.
Other names: c.251_252delAT (NM_018848.3); c.251_252del, p.His84fs (NM_018848.3); short protein forms H84fs.
Identifiers: ClinVar variation 985902 (VCV000985902.9), dbSNP rs756259125, ClinGen allele CA9763717.

ClinVar aggregate classification (germline): Pathogenic/Likely pathogenic. Review status: criteria provided, multiple submitters, no conflicts (2 of 4 stars). 5 submissions from 5 submitters: Pathogenic (2); Likely pathogenic (3). Last evaluated 2026-02-10.

Conditions:
McKusick-Kaufman syndrome (MKKS). Also called: HYDROMETROCOLPOS SYNDROME; HYDROMETROCOLPOS, POSTAXIAL POLYDACTYLY, AND CONGENITAL HEART MALFORMATION. Identifiers: Orphanet 2473, MedGen C0948368, MONDO:0009367, OMIM 236700.
Bardet-Biedl syndrome 6 (BBS6). Identifiers: Orphanet 110, MedGen C1858054, MONDO:0011523, OMIM 605231.
Bardet-Biedl syndrome (BBS). Identifiers: Orphanet 110, MedGen C0752166, MONDO:0015229.
MKKS-related disorder. Also called: MKKS-related condition; MKKS-related disorders.
Inborn genetic diseases. Identifiers: MedGen C0950123, MeSH D030342.

Allele frequency attached by ClinVar (database versions not stated): 1000 Genomes Project 30x 0.00031; gnomAD exomes below 0.00001 and 0.00001; gnomAD 0.00001 and 0.00002; TOPMed 0.00001; ExAC 0.00002.

Submissions (5):

PreventionGenetics, part of Exact Sciences
Classification: Likely pathogenic for MKKS-related condition. Last evaluated: 2026-02-10. Review status: criteria provided, single submitter. Criteria: ACMG Guidelines, 2015. Collection method: clinical testing. Allele origin: germline.
Comment: The MKKS c.251_252delAT variant is predicted to result in a frameshift and premature protein termination (p.His84Argfs*6). To our knowledge, this variant has not been reported in the literature. This variant is reported in 0.0062% of alleles in individuals of African descent in gnomAD. Frameshift variants in MKKS are expected to be pathogenic. This variant is interpreted as likely pathogenic.

Labcorp Genetics (formerly Invitae), Labcorp
Classification: Pathogenic for McKusick-Kaufman syndrome; Bardet-Biedl syndrome. Last evaluated: 2023-04-25. Review status: criteria provided, single submitter. Criteria: Invitae Variant Classification Sherloc (09022015). Collection method: clinical testing. Allele origin: germline.
Comment: For these reasons, this variant has been classified as Pathogenic. ClinVar contains an entry for this variant (Variation ID: 985902). This variant has not been reported in the literature in individuals affected with MKKS-related conditions. This variant is present in population databases (rs756259125, gnomAD 0.007%). This sequence change creates a premature translational stop signal (p.His84Argfs*6) in the MKKS gene. It is expected to result in an absent or disrupted protein product. Loss-of-function variants in MKKS are known to be pathogenic (PMID: 11179009, 28761321, 30614526).

Department of Pathology and Laboratory Medicine, Sinai Health System
Classification: Likely pathogenic for Bardet-Biedl syndrome. Last evaluated: 2022-12-05. Review status: criteria provided, single submitter. Criteria: ACMG Guidelines, 2015. Collection method: research. Allele origin: germline.

Fulgent Genetics
Classification: Likely pathogenic for McKusick-Kaufman syndrome; Bardet-Biedl syndrome 6. Last evaluated: 2022-05-25. Review status: criteria provided, single submitter. Criteria: ACMG Guidelines, 2015. Collection method: clinical testing. Allele origin: unknown.

Ambry Genetics
Classification: Pathogenic for Inborn genetic diseases. Last evaluated: 2017-02-22. Review status: criteria provided, single submitter. Criteria: Ambry exome assertion method (8-5-2015). Collection method: clinical testing. Allele origin: germline. Affected: yes. Observed: 1 variant allele.

Literature cited by the submitters: PubMed 11179009 (cited by Labcorp Genetics (formerly Invitae), Labcorp); PubMed 28761321 (cited by Labcorp Genetics (formerly Invitae), Labcorp); PubMed 30614526 (cited by Labcorp Genetics (formerly Invitae), Labcorp).